The following is an entry in ClinVar:

ClinVar aggregate classification (germline): Benign. Review status: criteria provided, multiple submitters, no conflicts (2 of 4 stars). 3 submissions from 3 submitters: Benign (2). 1 of the submissions does not count toward it. Last evaluated 2018-03-29.

Conditions:
PML-related disorder. Also called: PML-related condition.

Allele frequency attached by ClinVar (database versions not stated): 1000 Genomes Project 30x 0.01374; gnomAD exomes 0.00257; ExAC 0.00309; gnomAD 0.01018; ESP Exome Variant Server 0.01124; TOPMed 0.01138; 1000 Genomes Project 0.01338.
gnomAD v4.1: 3,193 of 1,611,868 alleles (0.2%); highest among the groups gnomAD compares: African/African-American, 3.6%; 50 homozygotes.

Submissions (3):

Labcorp Genetics (formerly Invitae), Labcorp
Classification: Benign. Last evaluated: 2018-03-29. Review status: criteria provided, single submitter. Criteria: Invitae Variant Classification Sherloc (09022015). Collection method: clinical testing. Allele origin: germline.

Breakthrough Genomics
Classification: Benign. Review status: criteria provided, single submitter. Criteria: ACMG Guidelines, 2015. Collection method: not provided. Allele origin: germline. Inheritance: Unknown mechanism. Affected: yes.

PreventionGenetics, part of Exact Sciences
Classification: Benign for PML-related condition. Last evaluated: 2021-01-04. Review status: no assertion criteria provided. Collection method: clinical testing. Allele origin: germline. Not counted in ClinVar's aggregate classification.
Comment: This variant is classified as benign based on ACMG/AMP sequence variant interpretation guidelines (Richards et al. 2015 PMID: 25741868, with internal and published modifications).

NM_033238.3(PML):c.1710+813G>A

Gene: PML (PML nuclear body scaffold; plus strand). Cytogenetic location: 15q24.1.
Variant type: single nucleotide variant.
Coding change: c.1710+813G>A on transcript NM_033238.3 (MANE Select); 813 bases into the intron after coding-DNA position 1710, G replaced by A.
Molecular consequence: intron variant. On other transcripts: missense variant (2), 3 prime UTR variant (2).
Genome position (GRCh38, 1-based): chr15:74,035,343, G>A. VCF-style: chr15-74035343-G-A. GRCh37 (hg19) VCF-style: chr15-74327684-G-A.
Other names: c.1882G>A, p.Ala628Thr (NM_033239.3); c.*687G>A (NM_033240.3); c.*207G>A (NM_033244.4); c.1738G>A, p.Ala580Thr (NM_033250.3); c.1710+813G>A (NM_002675.4); c.1566+813G>A (NM_033249.3); c.*35+813G>A (NM_033246.3); c.1255-664G>A (NM_033247.3); and 1 more; short protein forms A628T, A580T.
Identifiers: ClinVar variation 783716 (VCV000783716.6), dbSNP rs112272650, ClinGen allele CA7652757.
Genomic context (GRCh38, chr15:74,035,343, plus strand): 5'-GGAGCCTCCAGCCTGCCCTGTGGCACATACCACCCCCCAGCTTGGCCTCCCCACCAGCCC[G>A]CTGAGCAGGCTGCCACCCCCGATGCTGAGCCTCACAGCGAGCCTCCTGATCACCAGGAGC-3'